The following is an entry in ClinVar:

ClinVar aggregate classification (germline): Uncertain significance. Review status: criteria provided, multiple submitters, no conflicts (2 of 4 stars). 3 submissions from 3 submitters: Uncertain significance (3). Last evaluated 2024-03-06.

Conditions:
Cardiomyopathy (CMYO). Also called: Cardiomyopathies. Identifiers: Orphanet 167848, MedGen C0878544, MONDO:0004994, HP:0001638. Inheritance: Various modes of inheritance.
Lethal congenital glycogen storage disease of heart. Also called: GLYCOGEN STORAGE DISEASE OF HEART; PHOSPHORYLASE KINASE DEFICIENCY OF HEART. Identifiers: Orphanet 439854, MedGen C1849813, MONDO:0009867, OMIM 261740.

Allele frequency attached by ClinVar (database versions not stated): gnomAD 0.00001; TOPMed 0.00001.
gnomAD v4.1: 4 of 1,613,994 alleles (0.00025%); highest among the groups gnomAD compares: Middle Eastern, 0.016%; no homozygotes.

Submissions (3):

Color Diagnostics, LLC DBA Color Health
Classification: Uncertain significance for Cardiomyopathy. Last evaluated: 2024-03-06. Review status: criteria provided, single submitter. Criteria: ACMG Guidelines, 2015. Collection method: clinical testing. Allele origin: germline.
Comment: This missense variant replaces arginine with histidine at codon 190 of the PRKAG2 protein. Computational prediction suggests that this variant may not impact protein structure and function (internally defined REVEL score threshold <= 0.5, PMID: 27666373). To our knowledge, functional studies have not been reported for this variant. This variant has not been reported in individuals affected with PRKAG2-related disorders in the literature. This variant has not been identified in the general population by the Genome Aggregation Database (gnomAD). The available evidence is insufficient to determine the role of this variant in disease conclusively. Therefore, this variant is classified as a Variant of Uncertain Significance.

Labcorp Genetics (formerly Invitae), Labcorp
Classification: Uncertain significance for Lethal congenital glycogen storage disease of heart. Last evaluated: 2024-01-03. Review status: criteria provided, single submitter. Criteria: Invitae Variant Classification Sherloc (09022015). Collection method: clinical testing. Allele origin: germline.
Comment: This sequence change replaces arginine, which is basic and polar, with histidine, which is basic and polar, at codon 190 of the PRKAG2 protein (p.Arg190His). This variant is present in population databases (rs551795395, gnomAD no frequency). This variant has not been reported in the literature in individuals affected with PRKAG2-related conditions. ClinVar contains an entry for this variant (Variation ID: 181470). Advanced modeling of protein sequence and biophysical properties (such as structural, functional, and spatial information, amino acid conservation, physicochemical variation, residue mobility, and thermodynamic stability) performed at Invitae indicates that this missense variant is not expected to disrupt PRKAG2 protein function with a negative predictive value of 95%. In summary, the available evidence is currently insufficient to determine the role of this variant in disease. Therefore, it has been classified as a Variant of Uncertain Significance.

GeneDx
Classification: Uncertain significance. Last evaluated: 2014-06-22. Review status: criteria provided, single submitter. Criteria: GeneDx Variant Classification (06012015). Collection method: clinical testing. Allele origin: germline. Affected: yes.
Comment: p.Arg190His (CGC>CAC): c.569 G>A in exon 4 of the PRKAG2 gene (NM_016203.3) A variant of unknown significance has been identified in the PRKAG2 gene. The R190H variant has not been published as a mutation or as a benign polymorphism to our knowledge. The R190H variant was not observed in approximately 6,500 individuals of European and African American ancestry in the NHLBI Exome Sequencing Project, indicating it is not a common benign variant in these populations. In addition, this substitution occurs at a position that is conserved across species. Moreover, in silico analysis predicts this variant is probably damaging to the protein structure/function. Nevertheless, the R190H variant is a conservative amino acid substitution, which is not likely to impact secondary protein structure as these residues share similar properties. Furthermore, no missense mutations in nearby residues have been reported in association with a PRKAG2-related disorder, indicating this region of the protein may be tolerant of change. Therefore, based on the currently available information, it is unclear whether this variant is a pathogenic mutation or a rare benign variant. The variant is found in HCM panel(s).

NM_016203.4(PRKAG2):c.569G>A (p.Arg190His)

Gene: PRKAG2 (protein kinase AMP-activated non-catalytic subunit gamma 2; minus strand). Cytogenetic location: 7q36.1.
Variant type: single nucleotide variant.
Coding change: c.569G>A on transcript NM_016203.4 (MANE Select); coding-DNA position 569, G replaced by A.
Protein change: p.Arg190His; replaces arginine 190 with histidine.
Molecular consequence: missense variant.
Genome position (GRCh38, 1-based): chr7:151,675,535, C>T on the plus strand (G>A on the coding strand, the complement: PRKAG2 is on the minus strand). VCF-style: chr7-151675535-C-T. GRCh37 (hg19) VCF-style: chr7-151372621-C-T.
Other names: p.R190H:CGC>CAC; c.437G>A, p.Arg146His (NM_001040633.2); c.197G>A, p.Arg66His (NM_001304527.2, NM_001363698.2); short protein forms R190H, R146H, R66H.
Identifiers: ClinVar variation 181470 (VCV000181470.7), dbSNP rs551795395, ClinGen allele CA014360.